The following is an entry in ClinVar:

ClinVar aggregate classification (germline): Uncertain significance. Review status: criteria provided, multiple submitters, no conflicts (2 of 4 stars). 3 submissions from 3 submitters: Uncertain significance (3). Last evaluated 2022-10-18.

Conditions:
Perry syndrome. Also called: PARKINSONISM WITH ALVEOLAR HYPOVENTILATION AND MENTAL DEPRESSION. Identifiers: Orphanet 178509, MedGen C1868594, MONDO:0008201, OMIM 168605.
Neuronopathy, distal hereditary motor, type 7B. Also called: HMN VIIB; Distal Hereditary Motor Neuronopathy Type 7B (dHMN7B); LOWER MOTOR NEURON DISEASE, DYNACTIN TYPE; NEURONOPATHY, DISTAL HEREDITARY MOTOR, AUTOSOMAL DOMINANT 14; NEURONOPATHY, DISTAL HEREDITARY MOTOR, HARDING TYPE VIIB; NEUROPATHY, DISTAL HEREDITARY MOTOR, HARDING TYPE VIIB. Identifiers: Orphanet 139589, MedGen C1843315, MONDO:0011879, OMIM 607641.
Amyotrophic lateral sclerosis type 1 (ALS1). Also called: AMYOTROPHIC LATERAL SCLEROSIS 1, FAMILIAL. Identifiers: Orphanet 803, MedGen C1862939, MONDO:0007103, OMIM 105400.
DCTN1-related disorder. Also called: DCTN1-related condition.

Allele frequency attached by ClinVar (database versions not stated): gnomAD exomes 0.00001 and 0.00002; gnomAD 0.00002 and 0.00003; TOPMed 0.00005; ESP Exome Variant Server 0.00008.
gnomAD v4.1: 39 of 1,614,126 alleles (0.0024%); highest among the groups gnomAD compares: Non-Finnish European, 0.0033%; no homozygotes.

Submissions (3):

PreventionGenetics, part of Exact Sciences
Classification: Uncertain significance for DCTN1-related condition. Last evaluated: 2022-10-18. Review status: criteria provided, single submitter. Criteria: ACMG Guidelines, 2015. Collection method: clinical testing. Allele origin: germline.
Comment: The DCTN1 c.1802G>C variant is predicted to result in the amino acid substitution p.Gly601Ala. This variant was reported in a study of individuals with familial amyotrophic lateral sclerosis (FALS), although no additional evidence was provided that could help establish its pathogenicity (reported as G601A in Corcia et al. 2021. PubMed ID: 33408239). This variant is reported in 0.0026% of alleles in individuals of European (Non-Finnish) descent in gnomAD. At this time, the clinical significance of this variant is uncertain due to the absence of conclusive functional and genetic evidence.

Labcorp Genetics (formerly Invitae), Labcorp
Classification: Uncertain significance for Amyotrophic lateral sclerosis type 1; Neuronopathy, distal hereditary motor, type 7B; Perry syndrome. Last evaluated: 2022-07-13. Review status: criteria provided, single submitter. Criteria: Invitae Variant Classification Sherloc (09022015). Collection method: clinical testing. Allele origin: germline.
Comment: In summary, the available evidence is currently insufficient to determine the role of this variant in disease. Therefore, it has been classified as a Variant of Uncertain Significance. Algorithms developed to predict the effect of missense changes on protein structure and function (SIFT, PolyPhen-2, Align-GVGD) all suggest that this variant is likely to be disruptive. ClinVar contains an entry for this variant (Variation ID: 1489826). This variant has not been reported in the literature in individuals affected with DCTN1-related conditions. This variant is present in population databases (rs370192633, gnomAD 0.003%). This sequence change replaces glycine, which is neutral and non-polar, with alanine, which is neutral and non-polar, at codon 601 of the DCTN1 protein (p.Gly601Ala).

AiLife Diagnostics
Classification: Uncertain significance. Last evaluated: 2022-03-05. Review status: criteria provided, single submitter. Criteria: ACMG Guidelines, 2015. Collection method: clinical testing. Allele origin: germline. Affected: yes. Observed: 1 variant allele.

NM_004082.5(DCTN1):c.1802G>C (p.Gly601Ala)

Gene: DCTN1 (dynactin subunit 1; minus strand). Cytogenetic location: 2p13.1.
Variant type: single nucleotide variant.
Coding change: c.1802G>C on transcript NM_004082.5 (MANE Select); coding-DNA position 1802, G replaced by C.
Protein change: p.Gly601Ala; replaces glycine 601 with alanine.
Molecular consequence: missense variant. On other transcripts: non-coding transcript variant (1).
Genome position (GRCh38, 1-based): chr2:74,368,780, C>G on the plus strand (G>C on the coding strand, the complement: DCTN1 is on the minus strand). VCF-style: chr2-74368780-C-G. GRCh37 (hg19) VCF-style: chr2-74595907-C-G.
Other names: c.1802G>C (NM_004082.4); c.1742G>C, p.Gly581Ala (NM_001135040.3); c.1400G>C, p.Gly467Ala (NM_001135041.3, NM_023019.4); c.1691G>C, p.Gly564Ala (NM_001190836.2); c.1781G>C, p.Gly594Ala (NM_001190837.2); c.1751G>C, p.Gly584Ala (NM_001378991.1); c.1733G>C, p.Gly578Ala (NM_001378992.1); short protein forms G584A, G601A, G564A, G578A, G581A, G467A, G594A.
Identifiers: ClinVar variation 1489826 (VCV001489826.8), dbSNP rs370192633, ClinGen allele CA50476120.
Genomic context (GRCh38, chr2:74,368,780, plus strand): 5'-GGCCATACCTTGCAAATGAGACGAGGCATGAGCAACAGCACCAGAACGCAGTCATGGTCC[C>G]CACCTGGCCGAAGGAAGCTGTCAGGCATGAAGGCTGTCAGCAGGGACATGTGTCGATTGG-3'
Protein context (NP_004073.2, residues 591-611): FMPDSFLRPG[Gly601Ala]DHDCVLVLLL